The following is an entry in ClinVar:

NM_001039141.3(TRIOBP):c.3992G>C (p.Arg1331Pro)

Gene: TRIOBP (TRIO and F-actin binding protein; plus strand). Cytogenetic location: 22q13.1.
Variant type: single nucleotide variant.
Coding change: c.3992G>C on transcript NM_001039141.3 (MANE Select); coding-DNA position 3992, G replaced by C.
Protein change: p.Arg1331Pro; replaces arginine 1331 with proline.
Molecular consequence: missense variant.
Genome position (GRCh38, 1-based): chr22:37,733,342, G>C. VCF-style: chr22-37733342-G-C. GRCh37 (hg19) VCF-style: chr22-38129349-G-C.
Other names: c.3992G>C (NM_001039141.2); short protein forms R1331P.
Identifiers: ClinVar variation 1496298 (VCV001496298.9), dbSNP rs770531721, ClinGen allele CA411487221.

ClinVar aggregate classification (germline): Uncertain significance. Review status: criteria provided, multiple submitters, no conflicts (2 of 4 stars). 2 submissions from 2 submitters: Uncertain significance (2). Last evaluated 2026-08-27.

Allele frequency attached by ClinVar (database versions not stated): gnomAD 0.00001.
gnomAD v4.1: 51 of 1,551,318 alleles (0.0033%); highest among the groups gnomAD compares: Non-Finnish European, 0.0044%; no homozygotes.

Submissions (2):

GeneDx
Classification: Uncertain significance. Last evaluated: 2026-08-27. Review status: criteria provided, single submitter. Criteria: GeneDx Variant Classification Process June 2021. Collection method: clinical testing. Allele origin: germline.
Comment: Not observed at significant frequency in large population cohorts (gnomAD); In silico analysis supports that this missense variant has a deleterious effect on protein structure/function; Has not been previously published as pathogenic or benign to our knowledge

Labcorp Genetics (formerly Invitae), Labcorp
Classification: Uncertain significance. Last evaluated: 2021-07-13. Review status: criteria provided, single submitter. Criteria: Invitae Variant Classification Sherloc (09022015). Collection method: clinical testing. Allele origin: germline.
Comment: Algorithms developed to predict the effect of missense changes on protein structure and function are either unavailable or do not agree on the potential impact of this missense change (SIFT: "Deleterious"; PolyPhen-2: "Possibly Damaging"; Align-GVGD: "Class C0"). In summary, the available evidence is currently insufficient to determine the role of this variant in disease. Therefore, it has been classified as a Variant of Uncertain Significance. This variant has not been reported in the literature in individuals affected with TRIOBP-related conditions. This sequence change replaces arginine with proline at codon 1331 of the TRIOBP protein (p.Arg1331Pro). The arginine residue is weakly conserved and there is a moderate physicochemical difference between arginine and proline. This variant is not present in population databases (ExAC no frequency).